The following is an entry in ClinVar:

NM_177559.3(CSNK2A1):c.117C>A (p.Tyr39Ter)

Gene: CSNK2A1 (casein kinase 2 alpha 1; minus strand). Cytogenetic location: 20p13.
Variant type: single nucleotide variant.
Coding change: c.117C>A on transcript NM_177559.3 (MANE Select); coding-DNA position 117, C replaced by A.
Protein change: p.Tyr39Ter; replaces tyrosine 39 with a stop codon.
Molecular consequence: nonsense. On other transcripts: 5 prime UTR variant (1).
Genome position (GRCh38, 1-based): chr20:505,214, G>T on the plus strand (C>A on the coding strand, the complement: CSNK2A1 is on the minus strand). VCF-style: chr20-505214-G-T. GRCh37 (hg19) VCF-style: chr20-485858-G-T.
Other names: c.117C>A, p.Tyr39Ter (NM_001362770.2, NM_001362771.2, NM_001895.4); c.-292C>A (NM_177560.3); short protein forms Y39*.
Identifiers: ClinVar variation 1320139 (VCV001320139.1), dbSNP rs749626453, ClinGen allele CA407940365.

ClinVar aggregate classification (germline): Likely pathogenic (1 of 4 stars; one submission).

Conditions:
Okur-Chung neurodevelopmental syndrome (OCNDS). Identifiers: Orphanet 689422, MedGen C4310739, MONDO:0014893, OMIM 617062.

Submission:

3billion
Classification: Likely pathogenic for Okur-Chung neurodevelopmental syndrome. Last evaluated: 2021-10-02. Review status: criteria provided, single submitter. Criteria: ACMG Guidelines, 2015. Collection method: clinical testing. Allele origin: unknown. Affected: yes. Observed: 1 heterozygote.
Comment: Stop-gained (nonsense): predicted to result in a loss or disruption of normal protein function through nonsense-mediated decay (NMD) or protein truncation. Multiple pathogenic variants are reported downstream of the variant (PVS1_VS). It is not observed in the gnomAD v2.1.1 dataset (PM2). Therefore, this variant is classified as likely pathogenic according to the recommendation of ACMG/AMP guideline.